The following is an entry in ClinVar:

ClinVar aggregate classification (germline): Pathogenic. Review status: criteria provided, multiple submitters, no conflicts (2 of 4 stars). 21 submissions from 21 submitters: Pathogenic (14). 7 of the submissions do not count toward it. Last evaluated 2025-12-01.

Conditions:
SATB2-related disorder. Also called: SATB2-related condition.
Chromosome 2q32-q33 deletion syndrome (GLASS). Also called: 2q33.1 deletion syndrome; Glass syndrome. Identifiers: Orphanet 251019, MedGen C2676739, MONDO:0012864, OMIM 612313.
Cleft palate. Identifiers: Orphanet 2014, MedGen C2981150, MONDO:0016064, HP:0000175.
Intellectual disability. Also called: Intellectual functioning disability; intellectual disabilities; Intellectual developmental disorder. Identifiers: MedGen C3714756, MeSH D008607, MONDO:0001071, HP:0001249.

Submissions (21):

CeGaT Center for Human Genetics Tuebingen
Classification: Pathogenic. Last evaluated: 2025-12-01. Review status: criteria provided, single submitter. Criteria: CeGaT Center For Human Genetics Tuebingen Variant Classification Criteria Version 2. Collection method: clinical testing. Allele origin: germline. Affected: yes. Observed: 1 variant allele.
Comment: SATB2: PVS1, PS2, PM2

Variantyx, Inc.
Classification: Pathogenic for Chromosome 2q32-q33 deletion syndrome. Last evaluated: 2025-10-13. Review status: criteria provided, single submitter. Criteria: Variantyx Assertion Criteria 2022. Collection method: clinical testing. Allele origin: de novo. Inheritance: Autosomal dominant inheritance. Affected: yes.
Comment: This is a nonsense variant in the SATB2 gene (OMIM: 608148). Pathogenic variants in this gene have been associated with autosomal dominant Glass syndrome. This variant likely occurred de novo in the current proband, individuals reported in the published literature and in previous internal cases; however, the possibility of parental germline mosaicism cannot be excluded (PMID: 17377962, 24301056, 30848049) (PS2). The alteration introduces a premature termination codon in exon 7 out of 11 and is expected to result in loss of function, which is a known disease mechanism for SATB2 in this disorder (PMID: 28139846, 28151491) (PVS1). This variant is absent from control populations (PM2). Based on the current evidence, this variant is classified as pathogenic for autosomal dominant Glass syndrome.This variant was reported by previous genetic testing.

Department of Human Genetics, Hannover Medical School
Classification: Pathogenic for Chromosome 2q32-q33 deletion syndrome. Last evaluated: 2024-09-20. Review status: criteria provided, single submitter. Criteria: ACMG Guidelines, 2015. Collection method: clinical testing. Allele origin: germline. Affected: yes.
Comment: ACMG: PVS1, PS4_Moderate, PM2_Supporting

3billion
Classification: Pathogenic for Chromosome 2q32-q33 deletion syndrome. Last evaluated: 2024-08-06. Review status: criteria provided, single submitter. Criteria: ACMG Guidelines, 2015. Collection method: clinical testing. Allele origin: germline. Affected: yes.
Comment: The variant is not observed in the gnomAD v4.0.0 dataset. Predicted Consequence/Location: Stop-gained (nonsense): predicted to result in a loss or disruption of normal protein function through nonsense-mediated decay (NMD) or protein truncation. Multiple pathogenic variants are reported downstream of the variant. The variant has been reported at least twice as pathogenic with clinical assertions and evidence for the classification (ClinVar ID: VCV000002519 /PMID: 17377962). Therefore, this variant is classified as Pathogenic according to the recommendation of ACMG/AMP guideline.

Neuberg Centre For Genomic Medicine, NCGM
Classification: Pathogenic for Chromosome 2q32-q33 deletion syndrome. Last evaluated: 2024-02-01. Review status: criteria provided, single submitter. Criteria: ACMG Guidelines, 2015. Collection method: clinical testing. Allele origin: germline. Inheritance: Autosomal dominant inheritance. Affected: yes.
Comment: The above variant has been previously reported as denovo in multiple individuals affected with SATB2-Associated Syndrome (Zarate YA, et al 2015). Hence it has been classified as Pathogenic

Blueprint Genetics
Classification: Pathogenic for SATB2-related disorders. Last evaluated: 2023-03-27. Review status: criteria provided, single submitter. Criteria: ACMG Guidelines, 2015. Collection method: clinical testing. Allele origin: germline. Affected: yes. Observed: 1 variant allele.

Labcorp Genetics (formerly Invitae), Labcorp
Classification: Pathogenic for Chromosome 2q32-q33 deletion syndrome. Last evaluated: 2022-05-09. Review status: criteria provided, single submitter. Criteria: Invitae Variant Classification Sherloc (09022015). Collection method: clinical testing. Allele origin: germline.
Comment: For these reasons, this variant has been classified as Pathogenic. ClinVar contains an entry for this variant (Variation ID: 2519). This premature translational stop signal has been observed in individuals with a clinical phenotype including cleft palate, intellectual disability and epilepsy (PMID: 17377962, 24301056). This variant is not present in population databases (gnomAD no frequency). This sequence change creates a premature translational stop signal (p.Arg239*) in the SATB2 gene. It is expected to result in an absent or disrupted protein product. Loss-of-function variants in SATB2 are known to be pathogenic (PMID: 25885067).

GeneDx
Classification: Pathogenic. Last evaluated: 2022-02-17. Review status: criteria provided, single submitter. Criteria: GeneDx Variant Classification Process June 2021. Collection method: clinical testing. Allele origin: germline. Affected: yes.
Comment: Nonsense variant predicted to result in protein truncation or nonsense mediated decay in a gene for which loss-of-function is a known mechanism of disease; Published functional studies demonstrate an abnormal truncated protein that forms a dimer with wild-type SATB2 and interferes with the activity of the wild-type protein suggesting a dominant-negative mechanism (Leoyklang et al., 2007; Leoyklang et al., 2013); Not observed in large population cohorts (gnomAD); This variant is associated with the following publications: (PMID: 24363063, 31209962, 31144778, 23925499, 17377962, 25525159, 27774744, 28787087, 24301056, 30848049, 31021519)

Institute of Human Genetics, University of Leipzig Medical Center
Classification: Pathogenic for Chromosome 2q32-q33 deletion syndrome. Last evaluated: 2022-02-03. Review status: criteria provided, single submitter. Criteria: ACMG Guidelines, 2015. Collection method: clinical testing. Allele origin: unknown. Affected: yes.
Comment: _x000D_ Criteria applied: PVS1, PS2, PS4_MOD, PS3_SUP, PM2_SUP

Institute of Medical Genetics and Applied Genomics, University Hospital Tübingen
Classification: Pathogenic. Last evaluated: 2020-10-23. Review status: criteria provided, single submitter. Criteria: ACMG Guidelines, 2015. Collection method: clinical testing. Allele origin: germline. Inheritance: Unknown mechanism. Affected: yes.

Diagnostic Laboratory, Strasbourg University Hospital
Classification: Pathogenic for Intellectual disability. Last evaluated: 2020-04-20. Review status: criteria provided, single submitter. Criteria: ACMG Guidelines, 2015. Collection method: clinical testing. Allele origin: de novo. Inheritance: Autosomal dominant inheritance. Affected: yes. Observed: 1 heterozygote.

Revvity Omics, Revvity
Classification: Pathogenic for Chromosome 2q32-q33 deletion syndrome. Last evaluated: 2020-02-21. Review status: criteria provided, single submitter. Criteria: ACMG Guidelines, 2015. Collection method: clinical testing. Allele origin: germline.

Imagene.me medical diagnostic laboratory, IMAGENE.ME SA
Classification: Pathogenic for Chromosome 2q32-q33 deletion syndrome. Review status: criteria provided, single submitter. Criteria: IMAGENE.ME Variant Classification SOP 2022. Collection method: clinical testing. Allele origin: de novo. Affected: yes.
Comment: Classified according to the IMAGENE.ME variant classification SOP based on the ACMG guidelines as Pathogenic (P): PP5 + PM2 + PP4_Moderate + PVS1_Strong + PS2 + PS4

Juno Genomics, Hangzhou Juno Genomics, Inc
Classification: Pathogenic for Chromosome 2q32-q33 deletion syndrome. Review status: criteria provided, single submitter. Criteria: ACMG Guidelines, 2015. Collection method: clinical testing. Allele origin: germline. Affected: yes.
Comment: Absent from controls (or at extremely low frequency if recessive) in Genome Aggregation Database.;The prevalence of the variant in affected individuals is significantly increased compared to the prevalence in controls.;De novo (both maternity and paternity confirmed) in a patient with the disease and no family history.;Null variant in a gene where loss of function (LOF) is a known mechanism of disease.

PreventionGenetics, part of Exact Sciences
Classification: Pathogenic for SATB2-related condition. Last evaluated: 2024-05-24. Review status: no assertion criteria provided. Collection method: clinical testing. Allele origin: germline. Not counted in ClinVar's aggregate classification.
Comment: The SATB2 c.715C>T variant is predicted to result in premature protein termination (p.Arg239*). This variant has been reported in individuals with SATB2-associated syndrome (for example Leoyklang et al. 2007. PubMed ID: 17377962; Zarate et al. 2019. PubMedID: 31021519). Functional studies revealed that this variant produces a truncated protein that dimerizes with the wild-type protein to act in a dominant negative mechanism (Leoyklang et al. 2007. PubMed ID: 17377962; Leoyklang et al. 2013. PubMed ID: 23925499). This variant has not been reported in a large population database, indicating this variant is rare. Nonsense variants in SATB2 are expected to be pathogenic. This variant is interpreted as pathogenic.

Inter University Centre for Biomedical Research and Super Speciality Hospital, Mahatma Gandhi University
Classification: Pathogenic for Chromosome 2q32-q33 deletion syndrome. Last evaluated: 2024-05-23. Review status: no assertion criteria provided. Collection method: research. Allele origin: germline. Inheritance: Autosomal dominant inheritance. Affected: yes. Not counted in ClinVar's aggregate classification.
Comment: The p.Arg239Ter variant in the SATB2 gene has been reported to be a de novo germline nonsense mutation associated with clinical features such as cognitive defects and osteoporosis (Leoyklang, Petcharat et al. “Heterozygous nonsense mutation SATB2 associated with cleft palate, osteoporosis, and cognitive defects.” Human mutation vol. 28,7 (2007): 732-8). In summary, the Arg239Ter variant in SATB2 gene meets the criteria to be classified as pathogenic.

Autoinflammatory diseases unit, CHU de Montpellier
Classification: Pathogenic for Cleft palate. Last evaluated: 2017-01-23. Review status: no assertion criteria provided. Collection method: clinical testing. Allele origin: unknown. Affected: yes. Not counted in ClinVar's aggregate classification.

OMIM
Classification: Pathogenic for GLASS SYNDROME. Last evaluated: 2013-12-04. Review status: no assertion criteria provided. Collection method: literature only. Allele origin: germline. Not counted in ClinVar's aggregate classification.

Diagnostic Laboratory, Department of Genetics, University Medical Center Groningen
Classification: Pathogenic. Review status: no assertion criteria provided. Collection method: clinical testing. Allele origin: germline. Affected: yes. Study: VKGL Data-share Consensus. Not counted in ClinVar's aggregate classification.

GeneReviews
No classification provided. Condition: Chromosome 2q32-q33 deletion syndrome. Review status: no classification provided. Collection method: literature only. Allele origin: de novo. Not counted in ClinVar's aggregate classification.

Joint Genome Diagnostic Labs from Nijmegen and Maastricht, Radboudumc and MUMC+
Classification: Pathogenic. Review status: no assertion criteria provided. Collection method: clinical testing. Allele origin: germline. Affected: yes. Study: VKGL Data-share Consensus. Not counted in ClinVar's aggregate classification.

Literature cited by the submitters: PubMed 28139846 (cited by Variantyx, Inc.); PubMed 28151491 (cited by Variantyx, Inc.); PubMed 17377962 (cited by 5 submitters); PubMed 24301056 (cited by 4 submitters); PubMed 30848049 (cited by Variantyx, Inc.); PubMed 25885067 (cited by Labcorp Genetics (formerly Invitae), Labcorp and Inter University Centre for Biomedical Research and Super Speciality Hospital, Mahatma Gandhi University); PubMed 29023086 (cited by Inter University Centre for Biomedical Research and Super Speciality Hospital, Mahatma Gandhi University and GeneReviews); PubMed 23925499 (cited by Inter University Centre for Biomedical Research and Super Speciality Hospital, Mahatma Gandhi University and OMIM); NCBI Bookshelf NBK458647 (cited by GeneReviews).

NM_001172509.2(SATB2):c.715C>T (p.Arg239Ter)

Gene: SATB2 (SATB homeobox 2; minus strand). Cytogenetic location: 2q33.1.
Variant type: single nucleotide variant.
Coding change: c.715C>T on transcript NM_001172509.2 (MANE Select); coding-DNA position 715, C replaced by T.
Protein change: p.Arg239Ter; replaces arginine 239 with a stop codon.
Molecular consequence: nonsense.
Genome position (GRCh38, 1-based): chr2:199,349,159, G>A on the plus strand (C>T on the coding strand, the complement: SATB2 is on the minus strand). VCF-style: chr2-199349159-G-A. GRCh37 (hg19) VCF-style: chr2-200213882-G-A.
Other names: SATB2, ARG239TER (rs137853127); c.715C>T, p.Arg239Ter (NM_001172517.1, NM_015265.4); short protein forms R239*.
Identifiers: ClinVar variation 2519 (VCV000002519.45), dbSNP rs137853127, ClinGen allele CA115589.